The following is an entry in ClinVar:

ClinVar aggregate classification (germline): Benign. Review status: criteria provided, multiple submitters, no conflicts (2 of 4 stars). 4 submissions from 4 submitters: Benign (4). Last evaluated 2026-01-27.

Conditions:
Genitopatellar syndrome (GTPTS). Also called: ABSENT PATELLAE, SCROTAL HYPOPLASIA, RENAL ANOMALIES, FACIAL DYSMORPHISM, AND MENTAL RETARDATION; Genitopatellar syndrome (GPS). Identifiers: Orphanet 85201, MedGen C1853566, MONDO:0011640, OMIM 606170.
Blepharophimosis - intellectual disability syndrome, SBBYS type (SBBYSS). Also called: Say-Barber-Biesecker-Young-Simpson variant of Ohdo Syndrome; Say-Barber-Biesecker Variant of Ohdo Syndrome; Ohdo syndrome, SBBYS variant; SBBYSS syndrome; Say-Barber-Biesecker-Young-Simpson syndrome; Young Simpson syndrome. Identifiers: Orphanet 3047, MedGen C1863557, MONDO:0011365, OMIM 603736.

Allele frequency attached by ClinVar (database versions not stated): ESP Exome Variant Server 0.00054; TOPMed 0.00134; gnomAD exomes 0.00297 and 0.00751; 1000 Genomes Project 30x 0.00422; 1000 Genomes Project 0.00479; gnomAD 0.00570 and 0.00571; ExAC 0.00692.
gnomAD v4.1: 5,023 of 1,548,566 alleles (0.32%); highest among the groups gnomAD compares: Admixed American, 0.58%; 112 homozygotes.

Submissions (4):

Labcorp Genetics (formerly Invitae), Labcorp
Classification: Benign for Genitopatellar syndrome. Last evaluated: 2026-01-27. Review status: criteria provided, single submitter. Criteria: Invitae Variant Classification Sherloc (09022015). Collection method: clinical testing. Allele origin: germline.

Fulgent Genetics
Classification: Benign for Blepharophimosis - intellectual disability syndrome, SBBYS type; Genitopatellar syndrome. Last evaluated: 2021-08-18. Review status: criteria provided, single submitter. Criteria: ACMG Guidelines, 2015. Collection method: clinical testing. Allele origin: unknown.

GeneDx
Classification: Benign. Last evaluated: 2017-08-01. Review status: criteria provided, single submitter. Criteria: GeneDx Variant Classification (06012015). Collection method: clinical testing. Allele origin: germline. Affected: yes.
Comment: This variant is considered likely benign or benign based on one or more of the following criteria: it is a conservative change, it occurs at a poorly conserved position in the protein, it is predicted to be benign by multiple in silico algorithms, and/or has population frequency not consistent with disease.

Breakthrough Genomics
Classification: Benign. Review status: criteria provided, single submitter. Criteria: ACMG Guidelines, 2015. Collection method: not provided. Allele origin: germline. Inheritance: Autosomal dominant inheritance. Affected: yes.

NM_012330.4(KAT6B):c.929-12A>G

Gene: KAT6B (lysine acetyltransferase 6B; plus strand). Cytogenetic location: 10q22.2.
Variant type: single nucleotide variant.
Coding change: c.929-12A>G on transcript NM_012330.4 (MANE Select); 12 bases into the intron before coding-DNA position 929, A replaced by G.
Molecular consequence: intron variant.
Genome position (GRCh38, 1-based): chr10:74,972,495, A>G. VCF-style: chr10-74972495-A-G. GRCh37 (hg19) VCF-style: chr10-76732253-A-G.
Other names: c.929-12A>G (NM_001370139.1, NM_001370136.1, NM_001370138.1 and 7 more transcripts); c.846+2720A>G (NM_001370133.1); c.193-6729A>G (NM_001370134.1); c.928+2394A>G (NM_001370143.1, NM_001370144.1); c.192+12417A>G (NM_001370135.1).
Identifiers: ClinVar variation 300858 (VCV000300858.13), dbSNP rs190502446, ClinGen allele CA5564335.
Genomic context (GRCh38, chr10:74,972,495, plus strand): 5'-TACAACTTATATTTAATATCTTCTCTTAAAATGAAACATTAAAATATTTTTCTCATATAT[A>G]TATTAATTCAGGGATGTGGATTTGCCAAGTCTGCAGACCAAAGAAAAAGGGAAGAAAACT-3'